The following is an entry in ClinVar:

ClinVar aggregate classification (germline): Uncertain significance (1 of 4 stars; one submission).

Conditions:
Inborn genetic diseases. Identifiers: MedGen C0950123, MeSH D030342.

gnomAD v4.1: 3 of 1,586,868 alleles (0.00019%); highest among the groups gnomAD compares: Admixed American, 0.0017%; no homozygotes.

Submission:

Ambry Genetics
Classification: Uncertain significance for Inborn genetic diseases. Last evaluated: 2018-09-29. Review status: criteria provided, single submitter. Criteria: Ambry Variant Classification Scheme 2023. Collection method: clinical testing. Allele origin: germline.
Comment: The p.P41S variant (also known as c.121C>T), located in coding exon 1 of the CTCF gene, results from a C to T substitution at nucleotide position 121. The proline at codon 41 is replaced by serine, an amino acid with similar properties. This amino acid position is not well conserved in available vertebrate species. In addition, this alteration is predicted to be tolerated by in silico analysis. Since supporting evidence is limited at this time, the clinical significance of this alteration remains unclear.

NM_006565.4(CTCF):c.121C>T (p.Pro41Ser)

Gene: CTCF (CCCTC-binding factor; plus strand). Cytogenetic location: 16q22.1.
Variant type: single nucleotide variant.
Coding change: c.121C>T on transcript NM_006565.4 (MANE Select); coding-DNA position 121, C replaced by T.
Protein change: p.Pro41Ser; replaces proline 41 with serine.
Molecular consequence: missense variant. On other transcripts: intron variant (1).
Genome position (GRCh38, 1-based): chr16:67,610,953, C>T. VCF-style: chr16-67610953-C-T. GRCh37 (hg19) VCF-style: chr16-67644856-C-T.
Other names: c.121C>T, p.Pro41Ser (NM_001363916.2); c.-32-5792C>T (NM_001191022.2); short protein forms P41S.
Identifiers: ClinVar variation 1752708 (VCV001752708.2), dbSNP rs369072233, ClinGen allele CA8112466.